The following is an entry in ClinVar:

NM_006343.3(MERTK):c.2009T>A (p.Ile670Asn)

Gene: MERTK (MER proto-oncogene, tyrosine kinase; plus strand). Cytogenetic location: 2q13.
Variant type: single nucleotide variant.
Coding change: c.2009T>A on transcript NM_006343.3 (MANE Select); coding-DNA position 2009, T replaced by A.
Protein change: p.Ile670Asn; replaces isoleucine 670 with asparagine.
Molecular consequence: missense variant.
Genome position (GRCh38, 1-based): chr2:112,009,996, T>A. VCF-style: chr2-112009996-T-A. GRCh37 (hg19) VCF-style: chr2-112767573-T-A.
Other names: short protein forms I670N.
Identifiers: ClinVar variation 858720 (VCV000858720.9), dbSNP rs947657821, ClinGen allele CA53583403.

ClinVar aggregate classification (germline): Uncertain significance (1 of 4 stars; one submission).

Allele frequency attached by ClinVar (database versions not stated): gnomAD exomes below 0.00001.
gnomAD v4.1: 3 of 1,614,020 alleles (0.00019%); highest among the groups gnomAD compares: Non-Finnish European, 0.00025%; no homozygotes.

Submission:

Labcorp Genetics (formerly Invitae), Labcorp
Classification: Uncertain significance. Last evaluated: 2019-11-27. Review status: criteria provided, single submitter. Criteria: Invitae Variant Classification Sherloc (09022015). Collection method: clinical testing. Allele origin: germline.
Comment: In summary, the available evidence is currently insufficient to determine the role of this variant in disease. Therefore, it has been classified as a Variant of Uncertain Significance. Algorithms developed to predict the effect of missense changes on protein structure and function (SIFT, PolyPhen-2, Align-GVGD) all suggest that this variant is likely to be disruptive, but these predictions have not been confirmed by published functional studies and their clinical significance is uncertain. This variant has not been reported in the literature in individuals with MERTK-related conditions. This variant is not present in population databases (ExAC no frequency). This sequence change replaces isoleucine with asparagine at codon 670 of the MERTK protein (p.Ile670Asn). The isoleucine residue is highly conserved and there is a large physicochemical difference between isoleucine and asparagine.